The following is an entry in ClinVar:

ClinVar aggregate classification (germline): Likely pathogenic (1 of 4 stars; one submission).

Conditions:
Autosomal recessive nonsyndromic hearing loss 8 (DFNB8). Also called: NEUROSENSORY NONSYNDROMIC RECESSIVE DEAFNESS 8; Deafness, autosomal recessive 10. Identifiers: Orphanet 90636, MedGen C1832827, MONDO:0010987, OMIM 601072.

gnomAD v4.1: 1 of 1,613,900 alleles (0.000062%); highest among the groups gnomAD compares: Non-Finnish European, 0.000085%; no homozygotes.

Submission:

Women's Health and Genetics/Laboratory Corporation of America, LabCorp
Classification: Likely pathogenic for Autosomal recessive nonsyndromic hearing loss 8. Last evaluated: 2024-09-18. Review status: criteria provided, single submitter. Criteria: LabCorp Variant Classification Summary - May 2015. Collection method: clinical testing. Allele origin: germline.
Comment: Variant summary: TMPRSS3 c.1156T>C (p.Cys386Arg) results in a non-conservative amino acid change located in the Serine proteases, trypsin domain (IPR001254) of the encoded protein sequence. Five of five in-silico tools predict a damaging effect of the variant on protein function. The variant was absent in 251154 control chromosomes. c.1156T>C has been reported in the literature in two homozygous individuals in a family affected with Deafness, Autosomal Recessive 8 (Ganapathy_2014). These data indicate that the variant is likely to be associated with disease. To our knowledge, no experimental evidence demonstrating an impact on protein function has been reported. The following publication have been ascertained in the context of this evaluation (PMID: 24416283). No submitters have cited clinical-significance assessments for this variant to ClinVar. Based on the evidence outlined above, the variant was classified as likely pathogenic.

Literature cited by the submitters: PubMed 24416283.

NM_001256317.3(TMPRSS3):c.1153T>C (p.Cys385Arg)

Gene: TMPRSS3 (transmembrane serine protease 3; minus strand). Cytogenetic location: 21q22.3.
Variant type: single nucleotide variant.
Coding change: c.1153T>C on transcript NM_001256317.3 (MANE Select); coding-DNA position 1153, T replaced by C.
Protein change: p.Cys385Arg; replaces cysteine 385 with arginine.
Molecular consequence: missense variant.
Genome position (GRCh38, 1-based): chr21:42,376,579, A>G on the plus strand (T>C on the coding strand, the complement: TMPRSS3 is on the minus strand). VCF-style: chr21-42376579-A-G. GRCh37 (hg19) VCF-style: chr21-43796688-A-G.
Other names: c.1156T>C, p.Cys386Arg (NM_024022.4); c.775T>C, p.Cys259Arg (NM_032404.3); short protein forms C259R, C385R, C386R.
Identifiers: ClinVar variation 3375402 (VCV003375402.1).